The following is an entry in ClinVar:

NM_001282531.3(ADNP):c.1234C>G (p.Leu412Val)

Gene: ADNP (activity dependent neuroprotector homeobox; minus strand). Cytogenetic location: 20q13.13.
Variant type: single nucleotide variant.
Coding change: c.1234C>G on transcript NM_001282531.3 (MANE Select); coding-DNA position 1234, C replaced by G.
Protein change: p.Leu412Val; replaces leucine 412 with valine.
Molecular consequence: missense variant.
Genome position (GRCh38, 1-based): chr20:50,893,480, G>C on the plus strand (C>G on the coding strand, the complement: ADNP is on the minus strand). VCF-style: chr20-50893480-G-C. GRCh37 (hg19) VCF-style: chr20-49510017-G-C.
Other names: c.1234C>G, p.Leu412Val (NM_001282532.2, NM_001347511.2, NM_015339.5 and 1 more transcripts); short protein forms L412V.
Identifiers: ClinVar variation 1191415 (VCV001191415.8), dbSNP rs1342698415, ClinGen allele CA408974085.
Genomic context (GRCh38, chr20:50,893,480, plus strand): 5'-CAGCTGCAGCAGGTTTGGAACTGGACTGACCTAACACTCTGGATGCCTGTGACTGAGAGA[G>C]GGAAGGAGACTTTAACTGGCCCGATGAGAGAGAAGAGGCATTAGCAGACTGCAGGGAGTA-3'
Protein context (NP_001269460.1, residues 402-422): LSSGQLKSPS[Leu412Val]SQSQASRVLG

ClinVar aggregate classification (germline): Benign/Likely benign. Review status: criteria provided, multiple submitters, no conflicts (2 of 4 stars). 3 submissions from 3 submitters: Benign (1); Likely benign (2). Last evaluated 2026-09-01.

Allele frequency attached by ClinVar (database versions not stated): TOPMed below 0.00001; gnomAD 0.00001; gnomAD exomes 0.00001 and 0.00002.
gnomAD v4.1: 8 of 1,613,822 alleles (0.0005%); highest among the groups gnomAD compares: Admixed American, 0.01%; no homozygotes.

Submissions (3):

CeGaT Center for Human Genetics Tuebingen
Classification: Likely benign. Last evaluated: 2026-09-01. Review status: criteria provided, single submitter. Criteria: CeGaT Center For Human Genetics Tuebingen Variant Classification Criteria Version 2. Collection method: clinical testing. Allele origin: germline. Affected: yes. Observed: 1 variant allele.
Comment: ADNP: BP4, BS2

Labcorp Genetics (formerly Invitae), Labcorp
Classification: Benign. Last evaluated: 2025-04-28. Review status: criteria provided, single submitter. Criteria: Invitae Variant Classification Sherloc (09022015). Collection method: clinical testing. Allele origin: germline.

GeneDx
Classification: Likely benign. Last evaluated: 2020-12-18. Review status: criteria provided, single submitter. Criteria: GeneDx Variant Classification Process June 2021. Collection method: clinical testing. Allele origin: germline. Affected: yes.